The following is an entry in ClinVar:

ClinVar aggregate classification (germline): Uncertain significance. Review status: criteria provided, single submitter (1 of 4 stars). 2 submissions from 2 submitters: Uncertain significance (1). 1 of the submissions does not count toward it. Last evaluated 2025-06-09.

Conditions:
AKR1C4-related disorder. Also called: AKR1C4-related condition.

gnomAD v4.1: 13 of 1,613,306 alleles (0.00081%); highest among the groups gnomAD compares: Non-Finnish European, 0.0011%; 1 homozygote.

Submissions (2):

Ambry Genetics
Classification: Uncertain significance. Last evaluated: 2025-06-09. Review status: criteria provided, single submitter. Criteria: Ambry Variant Classification Scheme 2023. Collection method: clinical testing. Allele origin: germline.

PreventionGenetics, part of Exact Sciences
Classification: Uncertain significance for AKR1C4-related condition. Last evaluated: 2024-04-10. Review status: no assertion criteria provided. Collection method: clinical testing. Allele origin: germline. Not counted in ClinVar's aggregate classification.
Comment: The AKR1C4 c.420C>A variant is predicted to result in the amino acid substitution p.Asp140Glu. To our knowledge, this variant has not been reported in the literature. This variant is reported in 0.0018% of alleles in individuals of European (Non-Finnish) descent in gnomAD. At this time, the clinical significance of this variant is uncertain due to the absence of conclusive functional and genetic evidence.

NM_001818.5(AKR1C4):c.420C>A (p.Asp140Glu)

Gene: AKR1C4 (aldo-keto reductase family 1 member C4; plus strand). Cytogenetic location: 10p15.1.
Variant type: single nucleotide variant.
Coding change: c.420C>A on transcript NM_001818.5 (MANE Select); coding-DNA position 420, C replaced by A.
Protein change: p.Asp140Glu; replaces aspartic acid 140 with glutamic acid.
Molecular consequence: missense variant.
Genome position (GRCh38, 1-based): chr10:5,205,807, C>A. VCF-style: chr10-5205807-C-A. GRCh37 (hg19) VCF-style: chr10-5247770-C-A.
Other names: short protein forms D140E.
Identifiers: ClinVar variation 3356703 (VCV003356703.2).